The following is an entry in ClinVar:

NM_001273.5(CHD4):c.4299G>A (p.Met1433Ile)

Genes: CHD4 (chromodomain helicase DNA binding protein 4; minus strand), CHD4-AS1 (CHD4 antisense RNA 1; plus strand). Cytogenetic location: 12p13.31.
Variant type: single nucleotide variant.
Coding change: c.4299G>A on transcript NM_001273.5 (MANE Select); coding-DNA position 4299, G replaced by A.
Protein change: p.Met1433Ile; replaces methionine 1433 with isoleucine.
Molecular consequence: missense variant. On other transcripts: non-coding transcript variant (2).
Genome position (GRCh38, 1-based): chr12:6,582,686, C>T on the plus strand (G>A on the coding strand, the complement: CHD4 is on the minus strand). VCF-style: chr12-6582686-C-T. GRCh37 (hg19) VCF-style: chr12-6691852-C-T.
Other names: c.4278G>A, p.Met1426Ile (NM_001297553.2); c.4260G>A, p.Met1420Ile (NM_001363606.2); short protein forms M1420I, M1426I, M1433I.
Identifiers: ClinVar variation 4685449 (VCV004685449.1).

ClinVar aggregate classification (germline): Uncertain significance (1 of 4 stars; one submission).

Submission:

GeneDx
Classification: Uncertain significance. Last evaluated: 2025-07-08. Review status: criteria provided, single submitter. Criteria: GeneDx Variant Classification Process June 2021. Collection method: clinical testing. Allele origin: germline. Affected: yes.
Comment: Not observed at significant frequency in large population cohorts (gnomAD); In silico analysis supports that this missense variant has a deleterious effect on protein structure/function; Has not been previously published as pathogenic or benign to our knowledge